The following is an entry in ClinVar:

ClinVar aggregate classification (germline): Uncertain significance (1 of 4 stars; one submission).

gnomAD v4.1: 2 of 1,614,082 alleles (0.00012%); highest among the groups gnomAD compares: Admixed American, 0.0033%; no homozygotes.

Submission:

Labcorp Genetics (formerly Invitae), Labcorp
Classification: Uncertain significance. Last evaluated: 2025-12-12. Review status: criteria provided, single submitter. Criteria: Invitae Variant Classification Sherloc (09022015). Collection method: clinical testing. Allele origin: germline.
Comment: This sequence change replaces serine, which is neutral and polar, with tyrosine, which is neutral and polar, at codon 484 of the FZD4 protein (p.Ser484Tyr). This variant is present in population databases (no rsID available, gnomAD 0.006%). This variant has not been reported in the literature in individuals affected with FZD4-related conditions. Invitae Evidence Modeling of protein sequence and biophysical properties (such as structural, functional, and spatial information, amino acid conservation, physicochemical variation, residue mobility, and thermodynamic stability) indicates that this missense variant is not expected to disrupt FZD4 protein function with a negative predictive value of 80%. In summary, the available evidence is currently insufficient to determine the role of this variant in disease. Therefore, it has been classified as a Variant of Uncertain Significance.

NM_012193.4(FZD4):c.1451C>A (p.Ser484Tyr)

Genes: FZD4 (frizzled class receptor 4; minus strand), PRSS23 (serine protease 23; plus strand). Cytogenetic location: 11q14.2.
Variant type: single nucleotide variant.
Coding change: c.1451C>A on transcript NM_012193.4 (MANE Select); coding-DNA position 1451, C replaced by A.
Protein change: p.Ser484Tyr; replaces serine 484 with tyrosine.
Molecular consequence: missense variant. On other transcripts: non-coding transcript variant (2).
Genome position (GRCh38, 1-based): chr11:86,951,305, G>T on the plus strand (C>A on the coding strand, the complement: FZD4 is on the minus strand). VCF-style: chr11-86951305-G-T. GRCh37 (hg19) VCF-style: chr11-86662347-G-T.
Other names: short protein forms S484Y.
Identifiers: ClinVar variation 4701569 (VCV004701569.1).